The following is an entry in ClinVar:

NM_052867.4(NALCN):c.2008C>T (p.Gln670Ter)

Gene: NALCN (sodium leak channel, non-selective; minus strand). Cytogenetic location: 13q33.1.
Variant type: single nucleotide variant.
Coding change: c.2008C>T on transcript NM_052867.4 (MANE Select); coding-DNA position 2008, C replaced by T.
Protein change: p.Gln670Ter; replaces glutamine 670 with a stop codon.
Molecular consequence: nonsense.
Genome position (GRCh38, 1-based): chr13:101,143,190, G>A on the plus strand (C>T on the coding strand, the complement: NALCN is on the minus strand). VCF-style: chr13-101143190-G-A. GRCh37 (hg19) VCF-style: chr13-101795541-G-A.
Other names: c.2008C>T, p.Gln670Ter (NM_001350748.2, NM_001350749.2); c.1921C>T, p.Gln641Ter (NM_001350750.2, NM_001350751.2); short protein forms Q670*, Q641*.
Identifiers: ClinVar variation 391479 (VCV000391479.3), dbSNP rs972964381, ClinGen allele CA16606743.
Genomic context (GRCh38, chr13:101,143,190, plus strand): 5'-CGCAGGAGGAGGAAGAGGTGGTCGGGAGGCTTCTCAGGAGGCAACATGTGTCCTGTTGCT[G>A]GCGGTCAATAAACTGCTTCATAAAACTCTCCCTTTGCAAATGAAGTATATGTGCATCAGG-3'

ClinVar aggregate classification (germline): Pathogenic (1 of 4 stars; one submission).

Allele frequency attached by ClinVar (database versions not stated): gnomAD exomes 0.00001.
gnomAD v4.1: 9 of 1,612,600 alleles (0.00056%); highest among the groups gnomAD compares: Non-Finnish European, 0.00076%; no homozygotes.

Submission:

GeneDx
Classification: Pathogenic. Last evaluated: 2024-01-09. Review status: criteria provided, single submitter. Criteria: GeneDx Variant Classification Process June 2021. Collection method: clinical testing. Allele origin: germline. Affected: yes.
Comment: Nonsense variant predicted to result in protein truncation or nonsense mediated decay in a gene for which loss of function is a known mechanism of disease; Not observed at significant frequency in large population cohorts (gnomAD); Has not been previously published as pathogenic or benign to our knowledge